The following is an entry in ClinVar:

NM_032313.4(NOA1):c.1707C>G (p.Thr569=)

Gene: NOA1 (nitric oxide associated 1; minus strand). Cytogenetic location: 4q12.
Variant type: single nucleotide variant.
Coding change: c.1707C>G on transcript NM_032313.4 (MANE Select); coding-DNA position 1707, C replaced by G.
Protein change: p.Thr569=; no amino-acid change (threonine 569 retained).
Molecular consequence: synonymous variant.
Genome position (GRCh38, 1-based): chr4:56,966,677, G>C on the plus strand (C>G on the coding strand, the complement: NOA1 is on the minus strand). VCF-style: chr4-56966677-G-C. GRCh37 (hg19) VCF-style: chr4-57832843-G-C.
Identifiers: ClinVar variation 2654776 (VCV002654776.24), dbSNP rs369847942, ClinGen allele CA2932781.

ClinVar aggregate classification (germline): Likely benign (1 of 4 stars; one submission).

Allele frequency attached by ClinVar (database versions not stated): gnomAD exomes 0.00005; ExAC 0.00007; gnomAD 0.00007; TOPMed 0.00007; ESP Exome Variant Server 0.00008.
gnomAD v4.1: 82 of 1,613,864 alleles (0.0051%); highest among the groups gnomAD compares: Non-Finnish European, 0.0067%; 1 homozygote.

Submission:

CeGaT Center for Human Genetics Tuebingen
Classification: Likely benign. Last evaluated: 2022-10-01. Review status: criteria provided, single submitter. Criteria: CeGaT Center For Human Genetics Tuebingen Variant Classification Criteria Version 2. Collection method: clinical testing. Allele origin: germline. Affected: yes. Observed: 1 variant allele.
Comment: NOA1: BP4, BP7